The following is an entry in ClinVar:

ClinVar aggregate classification (germline): Uncertain significance (1 of 4 stars; one submission).

Submission:

Labcorp Genetics (formerly Invitae), Labcorp
Classification: Uncertain significance. Last evaluated: 2022-11-01. Review status: criteria provided, single submitter. Criteria: Invitae Variant Classification Sherloc (09022015). Collection method: clinical testing. Allele origin: germline.
Comment: In summary, the available evidence is currently insufficient to determine the role of this variant in disease. Therefore, it has been classified as a Variant of Uncertain Significance. Algorithms developed to predict the effect of sequence changes on RNA splicing suggest that this variant may disrupt the consensus splice site. Algorithms developed to predict the effect of missense changes on protein structure and function output the following: SIFT: "Tolerated"; PolyPhen-2: "Possibly Damaging"; Align-GVGD: "Class C0". The glycine amino acid residue is found in multiple mammalian species, which suggests that this missense change does not adversely affect protein function. ClinVar contains an entry for this variant (Variation ID: 1006106). This variant has not been reported in the literature in individuals affected with ADGRV1-related conditions. This variant is not present in population databases (gnomAD no frequency). This sequence change replaces serine, which is neutral and polar, with glycine, which is neutral and non-polar, at codon 5790 of the ADGRV1 protein (p.Ser5790Gly).

NM_032119.4(ADGRV1):c.17368A>G (p.Ser5790Gly)

Gene: ADGRV1 (adhesion G protein-coupled receptor V1; plus strand). Cytogenetic location: 5q14.3.
Variant type: single nucleotide variant.
Coding change: c.17368A>G on transcript NM_032119.4 (MANE Select); coding-DNA position 17368, A replaced by G.
Protein change: p.Ser5790Gly; replaces serine 5790 with glycine.
Molecular consequence: missense variant. On other transcripts: non-coding transcript variant (1).
Genome position (GRCh38, 1-based): chr5:90,853,447, A>G. VCF-style: chr5-90853447-A-G. GRCh37 (hg19) VCF-style: chr5-90149264-A-G.
Other names: short protein forms S5790G.
Identifiers: ClinVar variation 1006106 (VCV001006106.10), dbSNP rs1766724784, ClinGen allele CA360430204.